The following is an entry in ClinVar:

ClinVar aggregate classification (germline): Uncertain significance (1 of 4 stars; one submission).

Allele frequency attached by ClinVar (database versions not stated): gnomAD 0.00005; TOPMed 0.00006.
gnomAD v4.1: 77 of 1,609,308 alleles (0.0048%); highest among the groups gnomAD compares: East Asian, 0.0067%; no homozygotes.

Submission:

Labcorp Genetics (formerly Invitae), Labcorp
Classification: Uncertain significance. Last evaluated: 2022-02-11. Review status: criteria provided, single submitter. Criteria: Invitae Variant Classification Sherloc (09022015). Collection method: clinical testing. Allele origin: germline.
Comment: This sequence change replaces arginine, which is basic and polar, with cysteine, which is neutral and slightly polar, at codon 446 of the DLL4 protein (p.Arg446Cys). In summary, the available evidence is currently insufficient to determine the role of this variant in disease. Therefore, it has been classified as a Variant of Uncertain Significance. Algorithms developed to predict the effect of missense changes on protein structure and function (SIFT, PolyPhen-2, Align-GVGD) all suggest that this variant is likely to be disruptive. This variant has not been reported in the literature in individuals affected with DLL4-related conditions. This variant is present in population databases (rs751873412, gnomAD 0.01%).

NM_019074.4(DLL4):c.1336C>T (p.Arg446Cys)

Gene: DLL4 (delta like canonical Notch ligand 4; plus strand). Cytogenetic location: 15q15.1.
Variant type: single nucleotide variant.
Coding change: c.1336C>T on transcript NM_019074.4 (MANE Select); coding-DNA position 1336, C replaced by T.
Protein change: p.Arg446Cys; replaces arginine 446 with cysteine.
Molecular consequence: missense variant.
Genome position (GRCh38, 1-based): chr15:40,936,323, C>T. VCF-style: chr15-40936323-C-T. GRCh37 (hg19) VCF-style: chr15-41228521-C-T.
Other names: short protein forms R446C.
Identifiers: ClinVar variation 1981721 (VCV001981721.4), dbSNP rs751873412, ClinGen allele CA7487917.